The following is an entry in ClinVar:

ClinVar aggregate classification (germline): Conflicting classifications of pathogenicity. Review status: criteria provided, conflicting classifications (1 of 4 stars). 3 submissions from 3 submitters: Uncertain significance (2); Likely benign (1). Last evaluated 2026-01-02.

Conditions:
Inborn genetic diseases. Identifiers: MedGen C0950123, MeSH D030342.
Arrhythmogenic right ventricular dysplasia, familial, 14. Also called: ARRHYTHMOGENIC RIGHT VENTRICULAR CARDIOMYOPATHY 14. Identifiers: MedGen C5394505, MONDO:0030062, OMIM 618920.

Allele frequency attached by ClinVar (database versions not stated): gnomAD 0.00001 and 0.00003; TOPMed 0.00002; gnomAD exomes 0.00006 and 0.00009; ESP Exome Variant Server 0.00008; ExAC 0.00009; 1000 Genomes Project 0.00020; 1000 Genomes Project 30x 0.00031.
gnomAD v4.1: 95 of 1,614,104 alleles (0.0059%); highest among the groups gnomAD compares: South Asian, 0.071%; no homozygotes.

Submissions (3):

Labcorp Genetics (formerly Invitae), Labcorp
Classification: Uncertain significance. Last evaluated: 2026-01-02. Review status: criteria provided, single submitter. Criteria: Invitae Variant Classification Sherloc (09022015). Collection method: clinical testing. Allele origin: germline.
Comment: This sequence change replaces threonine, which is neutral and polar, with methionine, which is neutral and non-polar, at codon 367 of the CDH2 protein (p.Thr367Met). This variant is present in population databases (rs200933425, gnomAD 0.06%), and has an allele count higher than expected for a pathogenic variant. This variant has not been reported in the literature in individuals affected with CDH2-related conditions. ClinVar contains an entry for this variant (Variation ID: 1514978). An algorithm developed to predict the effect of missense changes on protein structure and function (PolyPhen-2) suggests that this variant is likely to be disruptive. In summary, the available evidence is currently insufficient to determine the role of this variant in disease. Therefore, it has been classified as a Variant of Uncertain Significance.

Ambry Genetics
Classification: Likely benign for Inborn genetic diseases. Last evaluated: 2024-07-30. Review status: criteria provided, single submitter. Criteria: Ambry Variant Classification Scheme 2023. Collection method: clinical testing. Allele origin: germline.

New York Genome Center
Classification: Uncertain significance for Arrhythmogenic right ventricular dysplasia, familial, 14. Last evaluated: 2022-07-18. Review status: criteria provided, single submitter. Criteria: NYGC Assertion Criteria 2020. Collection method: clinical testing. Allele origin: germline. Observed: 1 heterozygote.
Comment: The c.1100C>T p.(Thr367Met) variant identified in the CDH2 gene substitutes a well conserved Threonine for Methionine at amino acid367/907 (exon 8/16). This variant is found with low frequency in population databases gnomAD, TOPMed Freeze 8, All of Us (allele frequency: 6.44e-5) suggesting it is not a common benign variant in the populations represented in that database. In silico algorithms do not predict that this variant will have an effect on the function of the canonical protein (REVEL; score:0.54). This variant is absent from ClinVar and to our current knowledge has not been reported in affected individuals in the literature. The p.Thr367 reside is within the second cadherin domain of CDH2 (UniProtKB:P19022), and this domain is not enriched for reported pathogenic variants [PMID:33566628, 28280076]. Given the lack of compelling evidence for its pathogenicity, the c.1100C>T p.(Thr367Met) variant identified in the CDH2 gene is reported as a Variant of Uncertain Significance.

NM_001792.5(CDH2):c.1100C>T (p.Thr367Met)

Gene: CDH2 (cadherin 2; minus strand). Cytogenetic location: 18q12.1.
Variant type: single nucleotide variant.
Coding change: c.1100C>T on transcript NM_001792.5 (MANE Select); coding-DNA position 1100, C replaced by T.
Protein change: p.Thr367Met; replaces threonine 367 with methionine.
Molecular consequence: missense variant.
Genome position (GRCh38, 1-based): chr18:27,993,558, G>A on the plus strand (C>T on the coding strand, the complement: CDH2 is on the minus strand). VCF-style: chr18-27993558-G-A. GRCh37 (hg19) VCF-style: chr18-25573522-G-A.
Other names: c.1007C>T, p.Thr336Met (NM_001308176.2); c.1100C>T (NM_001792.3); short protein forms T336M, T367M.
Identifiers: ClinVar variation 1514978 (VCV001514978.7), dbSNP rs200933425, ClinGen allele CA8923520.